The following is an entry in ClinVar:

NM_002474.3(MYH11):c.4278dup (p.Gln1427fs)

Genes: MYH11 (myosin heavy chain 11; minus strand), NDE1 (nudE neurodevelopment protein 1; plus strand). Cytogenetic location: 16p13.11.
Variant type: Duplication.
Coding change: c.4278dup on transcript NM_002474.3 (MANE Select); coding-DNA position 4278, one base duplicated (G; older notation c.4278dupG).
Protein change: p.Gln1427fs; shifts the reading frame from glutamine 1427.
Molecular consequence: frameshift variant. On other transcripts: stop lost (2).
Genome position (GRCh38, 1-based): chr16:15,724,248, C duplicated on the plus strand (G on the coding strand, the reverse complement: MYH11 is on the minus strand). VCF-style (leftmost placement, unchanged base first): chr16-15724247-G-GC. GRCh37 (hg19) VCF-style: chr16-15818104-G-GC.
Other names: c.4299dup, p.Gln1434fs (NM_001040113.2, NM_001040114.2); c.4278dup, p.Gln1427fs (NM_022844.3); c.1005dup, p.Ter336LeuextTer? (NM_001143979.2, NM_017668.3); short protein forms Q1427fs, Q1434fs.
Identifiers: ClinVar variation 3728366 (VCV003728366.2).

ClinVar aggregate classification (germline): Pathogenic (1 of 4 stars; one submission).

Conditions:
Aortic aneurysm, familial thoracic 4 (AAT4). Also called: AORTIC ANEURYSM/AORTIC DISSECTION AND PATENT DUCTUS ARTERIOSUS. Identifiers: MedGen C1851504, MONDO:0007568, OMIM 132900.

Submission:

Labcorp Genetics (formerly Invitae), Labcorp
Classification: Pathogenic for Aortic aneurysm, familial thoracic 4. Last evaluated: 2024-12-31. Review status: criteria provided, single submitter. Criteria: Invitae Variant Classification Sherloc (09022015). Collection method: clinical testing. Allele origin: germline.
Comment: This sequence change creates a premature translational stop signal (p.Gln1434Alafs*9) in the MYH11 gene. It is expected to result in an absent or disrupted protein product. Loss-of-function variants in MYH11 are known to be pathogenic (PMID: 25407000, 29575632). This variant is not present in population databases (gnomAD no frequency). This variant has not been reported in the literature in individuals affected with MYH11-related conditions. For these reasons, this variant has been classified as Pathogenic.

Literature cited by the submitters: PubMed 25407000; PubMed 29575632.